The following is an entry in ClinVar:

ClinVar aggregate classification (germline): Uncertain significance (1 of 4 stars; one submission).

Conditions:
Spastic paraplegia. Identifiers: MedGen C0037772, HP:0001258.

Allele frequency attached by ClinVar (database versions not stated): gnomAD exomes below 0.00001.
gnomAD v4.1: 2 of 1,614,070 alleles (0.00012%); highest among the groups gnomAD compares: Non-Finnish European, 0.00017%; no homozygotes.

Submission:

Labcorp Genetics (formerly Invitae), Labcorp
Classification: Uncertain significance for Spastic paraplegia. Last evaluated: 2021-07-17. Review status: criteria provided, single submitter. Criteria: Invitae Variant Classification Sherloc (09022015). Collection method: clinical testing. Allele origin: germline.
Comment: In summary, the available evidence is currently insufficient to determine the role of this variant in disease. Therefore, it has been classified as a Variant of Uncertain Significance. Algorithms developed to predict the effect of missense changes on protein structure and function (SIFT, PolyPhen-2, Align-GVGD) all suggest that this variant is likely to be tolerated. This sequence change replaces alanine with valine at codon 590 of the AP4E1 protein (p.Ala590Val). The alanine residue is moderately conserved and there is a small physicochemical difference between alanine and valine. This variant is not present in population databases (ExAC no frequency). This variant has not been reported in the literature in individuals affected with AP4E1-related conditions.

NM_007347.5(AP4E1):c.1769C>T (p.Ala590Val)

Gene: AP4E1 (adaptor related protein complex 4 subunit epsilon 1; plus strand). Cytogenetic location: 15q21.2.
Variant type: single nucleotide variant.
Coding change: c.1769C>T on transcript NM_007347.5 (MANE Select); coding-DNA position 1769, C replaced by T.
Protein change: p.Ala590Val; replaces alanine 590 with valine.
Molecular consequence: missense variant.
Genome position (GRCh38, 1-based): chr15:50,958,712, C>T. VCF-style: chr15-50958712-C-T. GRCh37 (hg19) VCF-style: chr15-51250909-C-T.
Other names: c.1544C>T, p.Ala515Val (NM_001252127.2); short protein forms A590V, A515V.
Identifiers: ClinVar variation 1445544 (VCV001445544.8), dbSNP rs2140878326, ClinGen allele CA392418707.